The following is an entry in ClinVar:

NM_032861.4(SERAC1):c.1292C>T (p.Thr431Met)

Gene: SERAC1 (serine active site containing 1; minus strand). Cytogenetic location: 6q25.3.
Variant type: single nucleotide variant.
Coding change: c.1292C>T on transcript NM_032861.4 (MANE Select); coding-DNA position 1292, C replaced by T.
Protein change: p.Thr431Met; replaces threonine 431 with methionine.
Molecular consequence: missense variant. On other transcripts: non-coding transcript variant (1).
Genome position (GRCh38, 1-based): chr6:158,119,045, G>A on the plus strand (C>T on the coding strand, the complement: SERAC1 is on the minus strand). VCF-style: chr6-158119045-G-A. GRCh37 (hg19) VCF-style: chr6-158540077-G-A.
Other names: short protein forms T431M.
Identifiers: ClinVar variation 864744 (VCV000864744.11), dbSNP rs779852958, ClinGen allele CA4071149.
Genomic context (GRCh38, chr6:158,119,045, plus strand): 5'-ACCAGGGCCCCAGCAACCAGGGCCAGAGTCAGTGGCTCCCTTACCTTGGGCCAGCACGTC[G>A]TATATCTGTCTTCATCCTCCATAGGTTTTTCAATTACAGCCTGCTCACTGTCCTGCTGGC-3'
Protein context (NP_116250.3, residues 421-441): EKPMEDEDRY[Thr431Met]TCWPKTWLAK

ClinVar aggregate classification (germline): Uncertain significance. Review status: criteria provided, multiple submitters, no conflicts (2 of 4 stars). 4 submissions from 4 submitters: Uncertain significance (4). Last evaluated 2022-07-17.

Conditions:
3-methylglutaconic aciduria with deafness, encephalopathy, and Leigh-like syndrome (MEGDEL). Also called: 3-METHYLGLUTACONIC ACIDURIA, TYPE VI; MEGDEL syndrome; SERAC1 Deficiency. Identifiers: Orphanet 352328, MedGen C4040739, MONDO:0013875, OMIM 614739.

Allele frequency attached by ClinVar (database versions not stated): ExAC 0.00002; gnomAD exomes 0.00002; gnomAD 0.00003; TOPMed 0.00004.
gnomAD v4.1: 43 of 1,613,090 alleles (0.0027%); highest among the groups gnomAD compares: South Asian, 0.011%; no homozygotes.

Submissions (4):

Labcorp Genetics (formerly Invitae), Labcorp
Classification: Uncertain significance for 3-methylglutaconic aciduria with deafness, encephalopathy, and Leigh-like syndrome. Last evaluated: 2022-07-17. Review status: criteria provided, single submitter. Criteria: Invitae Variant Classification Sherloc (09022015). Collection method: clinical testing. Allele origin: germline.
Comment: In summary, the available evidence is currently insufficient to determine the role of this variant in disease. Therefore, it has been classified as a Variant of Uncertain Significance. Algorithms developed to predict the effect of missense changes on protein structure and function are either unavailable or do not agree on the potential impact of this missense change (SIFT: "Deleterious"; PolyPhen-2: "Probably Damaging"; Align-GVGD: "Class C0"). ClinVar contains an entry for this variant (Variation ID: 864744). This variant has not been reported in the literature in individuals affected with SERAC1-related conditions. This variant is present in population databases (rs779852958, gnomAD 0.007%). This sequence change replaces threonine, which is neutral and polar, with methionine, which is neutral and non-polar, at codon 431 of the SERAC1 protein (p.Thr431Met).

Blueprint Genetics
Classification: Uncertain significance. Last evaluated: 2022-05-31. Review status: criteria provided, single submitter. Criteria: ACMG Guidelines, 2015. Collection method: clinical testing. Allele origin: germline.

Genome-Nilou Lab
Classification: Uncertain significance for 3-methylglutaconic aciduria with deafness, encephalopathy, and Leigh-like syndrome. Last evaluated: 2022-03-15. Review status: criteria provided, single submitter. Criteria: ACMG Guidelines, 2015. Collection method: clinical testing. Allele origin: germline. Affected: no.

GeneDx
Classification: Uncertain significance. Last evaluated: 2019-10-14. Review status: criteria provided, single submitter. Criteria: GeneDx Variant Classification Process June 2021. Collection method: clinical testing. Allele origin: germline. Affected: yes.
Comment: Not observed at a significant frequency in large population cohorts (Lek et al., 2016); In silico analysis, which includes protein predictors and evolutionary conservation, supports a deleterious effect; Has not been previously published as pathogenic or benign to our knowledge